The following is an entry in ClinVar:

ClinVar aggregate classification (germline): Uncertain significance (0 of 4 stars; one submission).

Conditions:
PLXNA1-related disorder. Also called: PLXNA1-related condition.

gnomAD v4.1: 5 of 1,611,750 alleles (0.00031%); highest among the groups gnomAD compares: African/African-American, 0.0013%; no homozygotes.

Submission:

PreventionGenetics, part of Exact Sciences
Classification: Uncertain significance for PLXNA1-related condition. Last evaluated: 2024-04-06. Review status: no assertion criteria provided. Collection method: clinical testing. Allele origin: germline.
Comment: The PLXNA1 c.3660+5G>A variant is predicted to interfere with splicing. To our knowledge, this variant has not been reported in the literature. This variant is reported in 0.00093% of alleles in individuals of European (Non-Finnish) descent in gnomAD. At this time, the clinical significance of this variant is uncertain due to the absence of conclusive functional and genetic evidence.

NM_032242.4(PLXNA1):c.3660+5G>A

Gene: PLXNA1 (plexin A1; plus strand). Cytogenetic location: 3q21.3.
Variant type: single nucleotide variant.
Coding change: c.3660+5G>A on transcript NM_032242.4 (MANE Select); 5 bases into the intron after coding-DNA position 3660, G replaced by A.
Molecular consequence: intron variant.
Genome position (GRCh38, 1-based): chr3:127,017,897, G>A. VCF-style: chr3-127017897-G-A. GRCh37 (hg19) VCF-style: chr3-126736740-G-A.
Identifiers: ClinVar variation 3347252 (VCV003347252.1).
Genomic context (GRCh38, chr3:127,017,897, plus strand): 5'-CGGAGACGCAACTGCTGTGCGAGGCGCCCAACCTCACTGGGCAGCACAAGGTCACGGTGC[G>A]TCTGTCCACCGGGGGTGCAGAGCTGGGAGAGCCATGCCCCACCTGTGGACCCTGCCCCAC-3'